The following is an entry in ClinVar:

NM_007294.4(BRCA1):c.1716dup (p.Ser573fs)

Gene: BRCA1 (BRCA1 DNA repair associated; minus strand). Cytogenetic location: 17q21.31.
Variant type: Duplication.
Coding change: c.1716dup on transcript NM_007294.4 (MANE Select); coding-DNA position 1716, one base duplicated (A; older notation c.1716dupA).
Protein change: p.Ser573fs; shifts the reading frame from serine 573.
Molecular consequence: frameshift variant. On other transcripts: intron variant (137).
Genome position (GRCh38, 1-based): chr17:43,093,815, T duplicated on the plus strand (A on the coding strand, the reverse complement: BRCA1 is on the minus strand); the first of 2 consecutive T bases (chr17:43,093,815-43,093,816); duplicating either gives the same sequence. VCF-style (leftmost placement, unchanged base first): chr17-43093814-A-AT. GRCh37 (hg19) VCF-style: chr17-41245831-A-AT.
Other names: c.1716dupA (NM_007294.3); c.1383dup, p.Ser462fs (NM_001407950.1, NM_001407951.1, NM_001407952.1 and 6 more transcripts); c.1380dup, p.Ser461fs (NM_001407954.1, NM_001407955.1, NM_001407956.1 and 1 more transcripts); c.1335dup, p.Ser446fs (NM_001407959.1, NM_001407960.1, NM_001407963.1); c.1332dup, p.Ser445fs (NM_001407962.1); c.1572dup, p.Ser525fs (NM_001407964.1, NM_001407740.1, NM_001407741.1 and 20 more transcripts); c.1212dup, p.Ser405fs (NM_001407965.1); c.828dup, p.Ser277fs (NM_001407966.1, NM_001407967.1); and 41 more; short protein forms S526fs, S573fs, S485fs, S546fs, S405fs, S446fs, S505fs, S547fs.
Identifiers: ClinVar variation 54333 (VCV000054333.3), dbSNP rs397508900, ClinGen allele CA327771.
Genomic context (GRCh38, chr17:43,093,814, plus strand): 5'-TGCTTATACTGCTGCTTATAGGTTCAGCTTTCGTTTTGAAAGCAGATTCTTTTTCGAGTG[A>AT]TTCTATTGGGTTAGGATTTTTCTCATTCTGAATAGAATCACCTTTTGTTTTATTCTCATG-3'

ClinVar aggregate classification (germline): Pathogenic. Review status: reviewed by expert panel (3 of 4 stars). 2 submissions from 2 submitters: Pathogenic (1). 1 of the submissions does not count toward it. Last evaluated 2017-12-15.

Conditions:
Breast-ovarian cancer, familial, susceptibility to, 1 (BROVCA1). Also called: OVARIAN CANCER, SUSCEPTIBILITY TO; BRCA1 Hereditary Breast and Ovarian Cancer. Identifiers: Orphanet 145, MedGen C2676676, MONDO:0011450, OMIM 604370. Disease mechanism: loss of function.
Familial cancer of breast. Also called: Hereditary breast cancer; hereditary breast carcinoma; BREAST CANCER, FAMILIAL. Identifiers: Orphanet 227535, MedGen C0346153, MONDO:0016419, OMIM 114480. Disease mechanism: loss of function.

Submissions (2):

Evidence-based Network for the Interpretation of Germline Mutant Alleles (ENIGMA)
Classification: Pathogenic for Breast-ovarian cancer, familial, susceptibility to, 1. Last evaluated: 2017-12-15. Review status: reviewed by expert panel. Criteria: ENIGMA BRCA1/2 Classification Criteria (2017-06-29). Collection method: curation. Allele origin: germline. Study: ENIGMA.
Comment: Variant allele predicted to encode a truncated non-functional protein.

ClinVar Staff, National Center for Biotechnology Information (NCBI)
No classification provided. Condition: Familial cancer of breast. Review status: no classification provided. Collection method: literature only. Allele origin: germline. Affected: yes. Not counted in ClinVar's aggregate classification.

Literature cited by the submitters: PubMed 16455195 (cited by ClinVar Staff, National Center for Biotechnology Information (NCBI)).